The following is an entry in ClinVar:

ClinVar aggregate classification (germline): Uncertain significance (1 of 4 stars; one submission).

Allele frequency attached by ClinVar (database versions not stated): gnomAD exomes below 0.00001; ExAC 0.00001; TOPMed 0.00001.
gnomAD v4.1: 5 of 1,594,734 alleles (0.00031%); highest among the groups gnomAD compares: Admixed American, 0.0069%; no homozygotes.

Submission:

Ambry Genetics
Classification: Uncertain significance. Last evaluated: 2026-06-03. Review status: criteria provided, single submitter. Criteria: Ambry Variant Classification Scheme 2023. Collection method: clinical testing. Allele origin: germline.
Comment: The c.2054C>T (p.P685L) alteration is located in exon 9 (coding exon 9) of the RIMS2 gene. This alteration results from a C to T substitution at nucleotide position 2054, causing the proline (P) at amino acid position 685 to be replaced by a leucine (L). Based on data from gnomAD, the T allele has an overall frequency of 0.001% (2/243302) total alleles studied. The highest observed frequency was 0.006% (2/32878) of Latino alleles. Based on insufficient or conflicting evidence, the clinical significance of this alteration remains unclear.

NM_001348484.3(RIMS2):c.2327C>T (p.Pro776Leu)

Gene: RIMS2 (regulating synaptic membrane exocytosis 2; plus strand). Cytogenetic location: 8q22.3.
Variant type: single nucleotide variant.
Coding change: c.2327C>T on transcript NM_001348484.3 (MANE Select); coding-DNA position 2327, C replaced by T.
Protein change: p.Pro776Leu; replaces proline 776 with leucine.
Molecular consequence: missense variant. On other transcripts: non-coding transcript variant (2).
Genome position (GRCh38, 1-based): chr8:103,918,458, C>T. VCF-style: chr8-103918458-C-T. GRCh37 (hg19) VCF-style: chr8-104930686-C-T.
Other names: c.2054C>T, p.Pro685Leu (NM_001100117.3, NM_001348485.2, NM_001348489.2 and 1 more transcripts); c.1619C>T, p.Pro540Leu (NM_001282881.2, NM_001348505.2); c.2207C>T, p.Pro736Leu (NM_001348486.2); c.2066C>T, p.Pro689Leu (NM_001348487.2, NM_001348490.2, NM_001348492.2 and 2 more transcripts); c.2186C>T, p.Pro729Leu (NM_001348488.2, NM_001395653.1, NM_001395654.1); c.2315C>T, p.Pro772Leu (NM_001348491.2); c.2195C>T, p.Pro732Leu (NM_001348494.2, NM_001348497.2); c.2096C>T, p.Pro699Leu (NM_001348495.2); and 1 more; short protein forms P685L, P699L, P736L, P776L, P689L, P732L, P772L, P540L.
Identifiers: ClinVar variation 2210686 (VCV002210686.3), dbSNP rs762208463, ClinGen allele CA4836906.